The following is an entry in ClinVar:

NM_000540.3(RYR1):c.4384A>G (p.Ser1462Gly)

Gene: RYR1 (ryanodine receptor 1; plus strand). Cytogenetic location: 19q13.2.
Variant type: single nucleotide variant.
Coding change: c.4384A>G on transcript NM_000540.3 (MANE Select); coding-DNA position 4384, A replaced by G.
Protein change: p.Ser1462Gly; replaces serine 1462 with glycine.
Molecular consequence: missense variant.
Genome position (GRCh38, 1-based): chr19:38,477,800, A>G. VCF-style: chr19-38477800-A-G. GRCh37 (hg19) VCF-style: chr19-38968440-A-G.
Other names: c.4384A>G, p.Ser1462Gly (NM_001042723.2); short protein forms S1462G.
Identifiers: ClinVar variation 4758483 (VCV004758483.1).

ClinVar aggregate classification (germline): Uncertain significance (1 of 4 stars; one submission).

Conditions:
Malignant hyperthermia, susceptibility to, 1 (MHS1). Also called: RYR1-Related Malignant Hyperthermia Susceptibility; Malignant hyperthermia suceptibility 1; Anesthesia related hyperthermia; Malignant hyperpyrexia; Fulminating hyperpyrexia; Pharmacogenic myopathy. Identifiers: Orphanet 423, MedGen C2930980, MONDO:0007783, OMIM 145600.

gnomAD v4.1: 1 of 1,612,854 alleles (0.000062%); highest among the groups gnomAD compares: Non-Finnish European, 0.000085%; no homozygotes.

Submission:

Color Diagnostics, LLC DBA Color Health
Classification: Uncertain significance for Malignant hyperthermia, susceptibility to, 1. Last evaluated: 2025-06-09. Review status: criteria provided, single submitter. Criteria: ACMG Guidelines, 2015. Collection method: clinical testing. Allele origin: germline.
Comment: This missense variant replaces serine with glycine at codon 1462 of the RYR1 protein. Computational prediction suggests that this variant may not impact protein structure and function. To our knowledge, functional studies have not been reported for this variant. This variant has not been reported in individuals affected with RYR1-related disorders in the literature. This variant has not been identified in the general population by the Genome Aggregation Database (gnomAD). The available evidence is insufficient to determine the role of this variant in disease conclusively. Therefore, this variant is classified as a Variant of Uncertain Significance.